The following is an entry in ClinVar:

NM_007055.4(POLR3A):c.2198C>T (p.Thr733Met)

Gene: POLR3A (RNA polymerase III subunit A; minus strand). Cytogenetic location: 10q22.3.
Variant type: single nucleotide variant.
Coding change: c.2198C>T on transcript NM_007055.4 (MANE Select); coding-DNA position 2198, C replaced by T.
Protein change: p.Thr733Met; replaces threonine 733 with methionine.
Molecular consequence: missense variant.
Genome position (GRCh38, 1-based): chr10:78,004,765, G>A on the plus strand (C>T on the coding strand, the complement: POLR3A is on the minus strand). VCF-style: chr10-78004765-G-A. GRCh37 (hg19) VCF-style: chr10-79764523-G-A.
Other names: short protein forms T733M.
Identifiers: ClinVar variation 2194616 (VCV002194616.3), dbSNP rs1180926052, ClinGen allele CA377338057.

ClinVar aggregate classification (germline): Uncertain significance (1 of 4 stars; one submission).

Allele frequency attached by ClinVar (database versions not stated): gnomAD 0.00001; TOPMed 0.00001.
gnomAD v4.1: 26 of 1,613,772 alleles (0.0016%); highest among the groups gnomAD compares: East Asian, 0.0022%; no homozygotes.

Submission:

Labcorp Genetics (formerly Invitae), Labcorp
Classification: Uncertain significance. Last evaluated: 2025-09-02. Review status: criteria provided, single submitter. Criteria: Invitae Variant Classification Sherloc (09022015). Collection method: clinical testing. Allele origin: germline.
Comment: This sequence change replaces threonine, which is neutral and polar, with methionine, which is neutral and non-polar, at codon 733 of the POLR3A protein (p.Thr733Met). This variant is present in population databases (no rsID available, gnomAD 0.002%). This variant has not been reported in the literature in individuals affected with POLR3A-related conditions. ClinVar contains an entry for this variant (Variation ID: 2194616). Invitae Evidence Modeling of protein sequence and biophysical properties (such as structural, functional, and spatial information, amino acid conservation, physicochemical variation, residue mobility, and thermodynamic stability) indicates that this missense variant is not expected to disrupt POLR3A protein function with a negative predictive value of 80%. In summary, the available evidence is currently insufficient to determine the role of this variant in disease. Therefore, it has been classified as a Variant of Uncertain Significance.